The following is an entry in ClinVar:

ClinVar aggregate classification (germline): Uncertain significance (1 of 4 stars; one submission).

Conditions:
Muscular dystrophy-dystroglycanopathy type B6 (MDDGB6). Also called: MUSCULAR DYSTROPHY-DYSTROGLYCANOPATHY (CONGENITAL WITH IMPAIRED INTELLECTUAL DEVELOPMENT), TYPE B, 6; MUSCULAR DYSTROPHY, CONGENITAL, LARGE-RELATED; MUSCULAR DYSTROPHY, CONGENITAL, TYPE 1D. Identifiers: MedGen C1837229, MONDO:0012138, OMIM 608840.

Submission:

Labcorp Genetics (formerly Invitae), Labcorp
Classification: Uncertain significance for Muscular dystrophy-dystroglycanopathy type B6. Last evaluated: 2022-06-17. Review status: criteria provided, single submitter. Criteria: Invitae Variant Classification Sherloc (09022015). Collection method: clinical testing. Allele origin: germline.
Comment: In summary, the available evidence is currently insufficient to determine the role of this variant in disease. Therefore, it has been classified as a Variant of Uncertain Significance. This sequence change replaces leucine, which is neutral and non-polar, with methionine, which is neutral and non-polar, at codon 617 of the LARGE1 protein (p.Leu617Met). Algorithms developed to predict the effect of missense changes on protein structure and function are either unavailable or do not agree on the potential impact of this missense change (SIFT: "Deleterious"; PolyPhen-2: "Probably Damaging"; Align-GVGD: "Class C0"). This variant has not been reported in the literature in individuals affected with LARGE1-related conditions. This variant is not present in population databases (gnomAD no frequency).

NM_133642.5(LARGE1):c.1849C>A (p.Leu617Met)

Gene: LARGE1 (LARGE xylosyl- and glucuronyltransferase 1; minus strand). Cytogenetic location: 22q12.3.
Variant type: single nucleotide variant.
Coding change: c.1849C>A on transcript NM_133642.5 (MANE Select); coding-DNA position 1849, C replaced by A.
Protein change: p.Leu617Met; replaces leucine 617 with methionine.
Molecular consequence: missense variant. On other transcripts: intron variant (3).
Genome position (GRCh38, 1-based): chr22:33,283,230, G>T on the plus strand (C>A on the coding strand, the complement: LARGE1 is on the minus strand). VCF-style: chr22-33283230-G-T. GRCh37 (hg19) VCF-style: chr22-33679216-G-T.
Other names: c.1849C>A, p.Leu617Met (NM_001362949.2, NM_001362951.2, NM_001362953.2 and 4 more transcripts); c.1693C>A, p.Leu565Met (NM_001378629.1); c.1246C>A, p.Leu416Met (NM_001378630.1); c.1731-5975C>A (NM_001378627.1, NM_001378628.1); c.972-5975C>A (NM_001378631.1); short protein forms L617M, L565M, L416M.
Identifiers: ClinVar variation 2093987 (VCV002093987.4), dbSNP rs1930810210, ClinGen allele CA411543305.